The following is an entry in ClinVar:

NM_003000.3(SDHB):c.262A>G (p.Thr88Ala)

Gene: SDHB (succinate dehydrogenase complex iron sulfur subunit B; minus strand). Cytogenetic location: 1p36.13.
Variant type: single nucleotide variant.
Coding change: c.262A>G on transcript NM_003000.3 (MANE Select); coding-DNA position 262, A replaced by G.
Protein change: p.Thr88Ala; replaces threonine 88 with alanine.
Molecular consequence: missense variant.
Genome position (GRCh38, 1-based): chr1:17,033,084, T>C on the plus strand (A>G on the coding strand, the complement: SDHB is on the minus strand). VCF-style: chr1-17033084-T-C. GRCh37 (hg19) VCF-style: chr1-17359579-T-C.
Other names: c.262A>G, p.Thr88Ala (NM_001407361.1); short protein forms T88A.
Identifiers: ClinVar variation 3074812 (VCV003074812.2), dbSNP rs2078032078, ClinGen allele CA338276468.

ClinVar aggregate classification (germline): Uncertain significance. Review status: criteria provided, multiple submitters, no conflicts (2 of 4 stars). 2 submissions from 2 submitters: Uncertain significance (2). Last evaluated 2026-04-14.

Conditions:
Hereditary pheochromocytoma and paraganglioma. Also called: Hereditary Paraganglioma-Pheochromocytoma Syndromes; Hereditary pheochromocytoma-paraganglioma; Hereditary paragangliomas and pheochromocytomas. Identifiers: Orphanet 29072, MedGen C4274332, MONDO:0017366.
Hereditary cancer-predisposing syndrome. Also called: Tumor predisposition; Hereditary neoplastic syndrome; Neoplastic Syndromes, Hereditary; Hereditary Cancer Syndrome. Identifiers: Orphanet 140162, MedGen C0027672, MeSH D009386, MONDO:0015356.

Allele frequency attached by ClinVar (database versions not stated): gnomAD exomes below 0.00001.
gnomAD v4.1: 1 of 1,613,840 alleles (0.000062%); highest among the groups gnomAD compares: South Asian, 0.0011%; no homozygotes.

Submissions (2):

Ambry Genetics
Classification: Uncertain significance for Hereditary cancer-predisposing syndrome. Last evaluated: 2026-04-14. Review status: criteria provided, single submitter. Criteria: Ambry Variant Classification Scheme 2023. Collection method: clinical testing. Allele origin: germline.
Comment: The p.T88A variant (also known as c.262A>G), located in coding exon 3 of the SDHB gene, results from an A to G substitution at nucleotide position 262. The threonine at codon 88 is replaced by alanine, an amino acid with similar properties. This amino acid position is highly conserved in available vertebrate species. In addition, this alteration is predicted to be deleterious by in silico analysis. Based on the available evidence, the clinical significance of this variant remains unclear.

All of Us Research Program, National Institutes of Health
Classification: Uncertain significance for Hereditary pheochromocytoma and paraganglioma. Last evaluated: 2023-12-13. Review status: criteria provided, single submitter. Criteria: ACMG Guidelines, 2015. Collection method: clinical testing. Allele origin: germline. Inheritance: Autosomal dominant inheritance. Observed: 1 variant allele, 1 heterozygote.
Comment: This missense variant replaces threonine with alanine at codon 88 of the SDHB protein. Computational prediction suggests that this variant may have deleterious impact on protein structure and function (internally defined REVEL score threshold >= 0.7, PMID: 27666373). To our knowledge, functional studies have not been reported for this variant. This variant has not been reported in individuals affected with SDHB-related disorders in the literature. This variant has not been identified in the general population by the Genome Aggregation Database (gnomAD). The available evidence is insufficient to determine the role of this variant in disease conclusively. Therefore, this variant is classified as a Variant of Uncertain Significance.

This study involves interpretation of variants in research participants for the purpose of population health screening. Participant phenotype was not available at the time of variant classification. Additional details can be found in publication PMID: 35346344, PMCID: PMC8962531